The following is an entry in ClinVar:

ClinVar aggregate classification (germline): Uncertain significance (1 of 4 stars; one submission).

Conditions:
Holoprosencephaly 3 (HPE3). Identifiers: Orphanet 2162, MedGen C1840529, MONDO:0007733, OMIM 142945.

Allele frequency attached by ClinVar (database versions not stated): gnomAD exomes 0.00009.
gnomAD v4.1: 44 of 521,634 alleles (0.0084%); highest among the groups gnomAD compares: Non-Finnish European, 0.013%; no homozygotes.

Submission:

Labcorp Genetics (formerly Invitae), Labcorp
Classification: Uncertain significance for Holoprosencephaly 3. Last evaluated: 2025-06-12. Review status: criteria provided, single submitter. Criteria: Invitae Variant Classification Sherloc (09022015). Collection method: clinical testing. Allele origin: germline.
Comment: This variant occurs in a non-coding region of the SHH gene. It does not change the encoded amino acid sequence of the SHH protein. This variant is present in population databases (no rsID available, gnomAD 0.01%). This variant has not been reported in the literature in individuals affected with SHH-related conditions. Experimental studies and prediction algorithms are not available or were not evaluated, and the effect of this variant on mRNA splicing is currently unknown. In summary, the available evidence is currently insufficient to determine the role of this variant in disease. Therefore, it has been classified as a Variant of Uncertain Significance.

NC_000007.14:g.156763944T>G

Genes: LMBR1 (limb development membrane protein 1; minus strand), SHH (sonic hedgehog signaling molecule; minus strand). Cytogenetic location: 7q36.3.
Variant type: single nucleotide variant.
Molecular consequence: intron variant (on NM_022458.4).
Genome position: GRCh38 VCF-style: chr7-156763944-T-G. GRCh37 (hg19) VCF-style: chr7-156556638-T-G.
Other names: c.361-149A>C (NM_001363412.2); c.145-149A>C (NM_001350954.2); c.424-149A>C (NM_001363410.2, NM_022458.4, NM_001363409.2 and 1 more transcripts); c.-33-149A>C (NM_001350958.2, NM_001350956.2, NM_001350955.2 and 1 more transcripts); c.55-149A>C (NM_001350957.2, NM_001363411.2).
Identifiers: ClinVar variation 2875793 (VCV002875793.3), dbSNP rs1018089698, ClinGen allele CA169820339.